The following is an entry in ClinVar:

ClinVar aggregate classification (germline): Uncertain significance (1 of 4 stars; one submission).

Conditions:
Leigh syndrome (NULS). Also called: Leigh's necrotizing encephalopathy; Leigh's disease; Leigh Syndrome (mtDNA deletion); Leigh Disease; Subacute necrotizing encephalopathy; Necrotizing encephalopathy infantile subacute of Leigh. Identifiers: Orphanet 506, MedGen C2931891, MONDO:0009723, OMIM 256000.

Allele frequency attached by ClinVar (database versions not stated): TOPMed below 0.00001; gnomAD 0.00001.

Submission:

Labcorp Genetics (formerly Invitae), Labcorp
Classification: Uncertain significance for Leigh syndrome. Last evaluated: 2021-05-30. Review status: criteria provided, single submitter. Criteria: Invitae Variant Classification Sherloc (09022015). Collection method: clinical testing. Allele origin: germline.
Comment: This sequence change replaces valine with isoleucine at codon 217 of the SURF1 protein (p.Val217Ile). The valine residue is moderately conserved and there is a small physicochemical difference between valine and isoleucine. This variant is not present in population databases (ExAC no frequency). In summary, the available evidence is currently insufficient to determine the role of this variant in disease. Therefore, it has been classified as a Variant of Uncertain Significance. Algorithms developed to predict the effect of missense changes on protein structure and function (SIFT, PolyPhen-2, Align-GVGD) all suggest that this variant is likely to be tolerated, but these predictions have not been confirmed by published functional studies and their clinical significance is uncertain. This variant has not been reported in the literature in individuals with SURF1-related conditions.

NM_003172.4(SURF1):c.649G>A (p.Val217Ile)

Gene: SURF1 (SURF1 cytochrome c oxidase assembly factor; minus strand). Cytogenetic location: 9q34.2.
Variant type: single nucleotide variant.
Coding change: c.649G>A on transcript NM_003172.4 (MANE Select); coding-DNA position 649, G replaced by A.
Protein change: p.Val217Ile; replaces valine 217 with isoleucine.
Molecular consequence: missense variant.
Genome position (GRCh38, 1-based): chr9:133,352,548, C>T on the plus strand (G>A on the coding strand, the complement: SURF1 is on the minus strand). VCF-style: chr9-133352548-C-T. GRCh37 (hg19) VCF-style: chr9-136219403-C-T.
Other names: c.322G>A, p.Val108Ile (NM_001280787.1); short protein forms V108I, V217I.
Identifiers: ClinVar variation 1509207 (VCV001509207.8), dbSNP rs1836454464, ClinGen allele CA375693818.